The following is an entry in ClinVar:

NM_016148.5(SHANK1):c.2551C>T (p.Arg851Ter)

Gene: SHANK1 (SH3 and multiple ankyrin repeat domains 1; minus strand). Cytogenetic location: 19q13.33.
Variant type: single nucleotide variant.
Coding change: c.2551C>T on transcript NM_016148.5 (MANE Select); coding-DNA position 2551, C replaced by T.
Protein change: p.Arg851Ter; replaces arginine 851 with a stop codon.
Molecular consequence: nonsense.
Genome position (GRCh38, 1-based): chr19:50,686,263, G>A on the plus strand (C>T on the coding strand, the complement: SHANK1 is on the minus strand). VCF-style: chr19-50686263-G-A. GRCh37 (hg19) VCF-style: chr19-51189520-G-A.
Other names: short protein forms R851*.
Identifiers: ClinVar variation 1306353 (VCV001306353.2), dbSNP rs2123127310, ClinGen allele CA407024004.

ClinVar aggregate classification (germline): Uncertain significance (1 of 4 stars; one submission).

Submission:

GeneDx
Classification: Uncertain significance. Last evaluated: 2019-06-04. Review status: criteria provided, single submitter. Criteria: GeneDx Variant Classification Process June 2021. Collection method: clinical testing. Allele origin: germline. Affected: yes.
Comment: Not observed in large population cohorts (Lek et al., 2016); Nonsense variant predicted to result in protein truncation or nonsense mediated decay in a gene for which loss-of-function is not a known mechanism of disease; Has not been previously published as pathogenic or benign to our knowledge; Variants in candidate genes are classified as variants of uncertain significance in accordance with ACMG guidelines (Richards et al., 2015)